The following is an entry in ClinVar:

ClinVar aggregate classification (germline): Conflicting classifications of pathogenicity. Review status: criteria provided, conflicting classifications (1 of 4 stars). 2 submissions from 2 submitters: Uncertain significance (1); Likely benign (1). Last evaluated 2025-05-08.

Conditions:
Hereditary cancer-predisposing syndrome. Also called: Tumor predisposition; Neoplastic Syndromes, Hereditary; Hereditary Cancer Syndrome; Hereditary neoplastic syndrome. Identifiers: Orphanet 140162, MedGen C0027672, MeSH D009386, MONDO:0015356.
Cardiovascular phenotype. Identifiers: MedGen CN230736.
Neurofibromatosis, type 1 (NF1). Also called: VON RECKLINGHAUSEN DISEASE; NEUROFIBROMATOSIS, TYPE I, SOMATIC; Peripheral type neurofibromatosis; Neurofibromatosis, type I. Identifiers: Orphanet 636, MedGen C0027831, MONDO:0018975, OMIM 162200. Disease mechanism: loss of function.

Submissions (2):

Ambry Genetics
Classification: Likely benign for Cardiovascular phenotype; Hereditary cancer-predisposing syndrome. Last evaluated: 2025-05-08. Review status: criteria provided, single submitter. Criteria: Ambry Variant Classification Scheme 2023. Collection method: clinical testing. Allele origin: germline.

Labcorp Genetics (formerly Invitae), Labcorp
Classification: Uncertain significance for Neurofibromatosis, type 1. Last evaluated: 2022-01-19. Review status: criteria provided, single submitter. Criteria: Invitae Variant Classification Sherloc (09022015). Collection method: clinical testing. Allele origin: germline.
Comment: This sequence change replaces threonine, which is neutral and polar, with asparagine, which is neutral and polar, at codon 676 of the NF1 protein (p.Thr676Asn). This variant is not present in population databases (gnomAD no frequency). This variant has not been reported in the literature in individuals affected with NF1-related conditions. Advanced modeling of protein sequence and biophysical properties (such as structural, functional, and spatial information, amino acid conservation, physicochemical variation, residue mobility, and thermodynamic stability) performed at Invitae indicates that this missense variant is not expected to disrupt NF1 protein function. In summary, the available evidence is currently insufficient to determine the role of this variant in disease. Therefore, it has been classified as a Variant of Uncertain Significance.

NM_001042492.3(NF1):c.2027C>A (p.Thr676Asn)

Gene: NF1 (neurofibromin 1; plus strand). Cytogenetic location: 17q11.2.
Variant type: single nucleotide variant.
Coding change: c.2027C>A on transcript NM_001042492.3 (MANE Select); coding-DNA position 2027, C replaced by A.
Protein change: p.Thr676Asn; replaces threonine 676 with asparagine.
Molecular consequence: missense variant.
Genome position (GRCh38, 1-based): chr17:31,226,460, C>A. VCF-style: chr17-31226460-C-A. GRCh37 (hg19) VCF-style: chr17-29553478-C-A.
Other names: c.2027C>A, p.Thr676Asn (NM_000267.4); short protein forms T676N.
Identifiers: ClinVar variation 1784665 (VCV001784665.8), dbSNP rs1294581001, ClinGen allele CA398982038.